The following is an entry in ClinVar:

NM_175914.5(HNF4A):c.*2639T>G

Gene: HNF4A (hepatocyte nuclear factor 4 alpha; plus strand). Cytogenetic location: 20q13.12.
Variant type: single nucleotide variant.
Coding change: c.*2639T>G on transcript NM_175914.5 (MANE Select); 2639 bases downstream of the stop codon, T replaced by G.
Molecular consequence: 3 prime UTR variant.
Genome position (GRCh38, 1-based): chr20:44,432,304, T>G. VCF-style: chr20-44432304-T-G. GRCh37 (hg19) VCF-style: chr20-43060944-T-G.
Other names: c.*2639T>G (NM_000457.6, NM_001030003.3, NM_001258355.2 and 3 more transcripts).
Identifiers: ClinVar variation 338474 (VCV000338474.6), dbSNP rs886056690, ClinGen allele CA10649749.

ClinVar aggregate classification (germline): Conflicting classifications of pathogenicity. Review status: criteria provided, conflicting classifications (1 of 4 stars). 3 submissions from 2 submitters: Uncertain significance (2); Likely benign (1). Last evaluated 2018-01-12.

Conditions:
Familial hyperinsulinism. Also called: Congenital hyperinsulinism. Identifiers: Orphanet 276525, MedGen C3888018, MONDO:0017182. Disease mechanism: loss of function.
Maturity-onset diabetes of the young (MODY). Also called: Maturity onset diabetes mellitus in young. Identifiers: Orphanet 552, MedGen C0342276, MONDO:0018911, HP:0004904.
Maturity-onset diabetes of the young type 1. Also called: MILD JUVENILE DIABETES MELLITUS; MODY, type I; MODY type 1; Diabetes mellitus MODY type 1; MODY HNF4A related; HNF4A-Related Maturity-Onset Diabetes of the Young Type 1. Identifiers: Orphanet 552, MedGen C1852093, MONDO:0007452, OMIM 125850. Disease mechanism: loss of function.

Allele frequency attached by ClinVar (database versions not stated): gnomAD 0.00001.
gnomAD v4.1: 1 of 151,322 alleles (0.00066%); highest among the groups gnomAD compares: Non-Finnish European, 0.0015%; no homozygotes.

Submissions (3):

Illumina Laboratory Services, Illumina
Classification: Uncertain significance for Maturity-onset diabetes of the young type 1. Last evaluated: 2018-01-12. Review status: criteria provided, single submitter. Criteria: ICSL Variant Classification Criteria 13 December 2019. Collection method: clinical testing. Allele origin: germline.

Illumina Laboratory Services, Illumina
Classification: Uncertain significance for Familial hyperinsulinism. Last evaluated: 2018-01-12. Review status: criteria provided, single submitter. Criteria: ICSL Variant Classification Criteria 13 December 2019. Collection method: clinical testing. Allele origin: germline.

Clinical Genomics, Uppaluri K&H Personalized Medicine Clinic
Classification: Likely benign for Maturity-onset diabetes of the young. Review status: criteria provided, single submitter. Criteria: K & H Uppaluri Personalized Medicine Clinic Variant Classification & Assertion Criteria_Updated V.1. Collection method: research. Allele origin: unknown. Inheritance: Autosomal dominant inheritance.
Comment: Potent mutations in HNF4A are associated with poor insulin secretion in response to hyperglycemia. Associated with MODY1. Patients initially respond well to sulfonylureas but eventually become insulin dependent. However, more evidence is required to ascertain the role of this particular variant rs886056690 in MODY, yet.

Literature cited by the submitters: DOI 10.1159/000334532 (cited by Clinical Genomics, Uppaluri K&H Personalized Medicine Clinic); PubMed 18268044 (cited by Clinical Genomics, Uppaluri K&H Personalized Medicine Clinic); PubMed 17563455 (cited by Clinical Genomics, Uppaluri K&H Personalized Medicine Clinic); PubMed 32583173 (cited by Clinical Genomics, Uppaluri K&H Personalized Medicine Clinic); PubMed 35052457 (cited by Clinical Genomics, Uppaluri K&H Personalized Medicine Clinic); PubMed 35118593 (cited by Clinical Genomics, Uppaluri K&H Personalized Medicine Clinic).